The following is an entry in ClinVar:

NM_005391.5(PDK3):c.506-142C>T

Gene: PDK3 (pyruvate dehydrogenase kinase 3; plus strand). Cytogenetic location: Xp22.11.
Variant type: single nucleotide variant.
Coding change: c.506-142C>T on transcript NM_005391.5 (MANE Select); 142 bases into the intron before coding-DNA position 506, C replaced by T.
Molecular consequence: intron variant.
Genome position (GRCh38, 1-based): chrX:24,505,067, C>T. VCF-style: chrX-24505067-C-T. GRCh37 (hg19) VCF-style: chrX-24523184-C-T.
Other names: c.506-142C>T (NM_001142386.3).
Identifiers: ClinVar variation 1801877 (VCV001801877.1), dbSNP rs147014603, ClinGen allele CA327704852.

ClinVar aggregate classification (germline): Likely benign (1 of 4 stars; one submission).

Allele frequency attached by ClinVar (database versions not stated): gnomAD exomes 0.00074; 1000 Genomes Project 30x 0.00583; gnomAD 0.00584; 1000 Genomes Project 0.00609; TOPMed 0.00673.
gnomAD v4.1: 873 of 384,922 alleles (0.23%); highest among the groups gnomAD compares: African/African-American, 2%; 6 homozygotes.

Submission:

GeneDx
Classification: Likely benign. Last evaluated: 2022-02-26. Review status: criteria provided, single submitter. Criteria: GeneDx Variant Classification Process June 2021. Collection method: clinical testing. Allele origin: germline. Affected: yes.
Comment: See Variant Classification Assertion Criteria.